The following is an entry in ClinVar:

ClinVar aggregate classification (germline): Uncertain significance (1 of 4 stars; one submission).

gnomAD v4.1: 1 of 1,614,188 alleles (0.000062%); highest among the groups gnomAD compares: Non-Finnish European, 0.000085%; no homozygotes.

Submission:

Ambry Genetics
Classification: Uncertain significance. Last evaluated: 2025-08-23. Review status: criteria provided, single submitter. Criteria: Ambry Variant Classification Scheme 2023. Collection method: clinical testing. Allele origin: germline.
Comment: The p.I187L variant (also known as c.559A>C), located in coding exon 5 of the SRP72 gene, results from an A to C substitution at nucleotide position 559. The isoleucine at codon 187 is replaced by leucine, an amino acid with highly similar properties. This amino acid position is conserved. In addition, this alteration is predicted to be tolerated by in silico analysis. Based on the available evidence, the clinical significance of this variant remains unclear.

NM_006947.4(SRP72):c.559A>C (p.Ile187Leu)

Gene: SRP72 (signal recognition particle 72; plus strand). Cytogenetic location: 4q12.
Variant type: single nucleotide variant.
Coding change: c.559A>C on transcript NM_006947.4 (MANE Select); coding-DNA position 559, A replaced by C.
Protein change: p.Ile187Leu; replaces isoleucine 187 with leucine.
Molecular consequence: missense variant. On other transcripts: non-coding transcript variant (1).
Genome position (GRCh38, 1-based): chr4:56,474,340, A>C. VCF-style: chr4-56474340-A-C. GRCh37 (hg19) VCF-style: chr4-57340506-A-C.
Other names: c.559A>C, p.Ile187Leu (NM_001267722.2); short protein forms I187L.
Identifiers: ClinVar variation 4174971 (VCV004174971.1).